The following is an entry in ClinVar:

ClinVar aggregate classification (germline): Uncertain significance. Review status: criteria provided, multiple submitters, no conflicts (2 of 4 stars). 2 submissions from 2 submitters: Uncertain significance (2). Last evaluated 2025-11-21.

Conditions:
Hereditary cancer-predisposing syndrome. Also called: Neoplastic Syndromes, Hereditary; Tumor predisposition; Hereditary Cancer Syndrome; Hereditary neoplastic syndrome. Identifiers: Orphanet 140162, MedGen C0027672, MeSH D009386, MONDO:0015356.
Ataxia-telangiectasia syndrome (AT). Also called: Ataxia telangiectasia (A-T); ATAXIA-TELANGIECTASIA, COMPLEMENTATION GROUP A; ATAXIA-TELANGIECTASIA, FRESNO VARIANT; Ataxia-telangiectasia; Ataxia-telangiectasia, complementation group E; LOUIS-BAR SYNDROME. Identifiers: Orphanet 100, MedGen C0004135, MONDO:0008840, OMIM 208900.

Allele frequency attached by ClinVar (database versions not stated): gnomAD exomes below 0.00001.

Submissions (2):

Ambry Genetics
Classification: Uncertain significance for Hereditary cancer-predisposing syndrome. Last evaluated: 2025-11-21. Review status: criteria provided, single submitter. Criteria: Ambry Variant Classification Scheme 2023. Collection method: clinical testing. Allele origin: germline.
Comment: The p.D2448G variant (also known as c.7343A>G), located in coding exon 49 of the ATM gene, results from an A to G substitution at nucleotide position 7343. The aspartic acid at codon 2448 is replaced by glycine, an amino acid with similar properties. This amino acid position is highly conserved in available vertebrate species. In addition, this alteration is predicted to be deleterious by in silico analysis. Based on the available evidence, the clinical significance of this variant remains unclear.

Labcorp Genetics (formerly Invitae), Labcorp
Classification: Uncertain significance for Ataxia-telangiectasia syndrome. Last evaluated: 2022-10-30. Review status: criteria provided, single submitter. Criteria: Invitae Variant Classification Sherloc (09022015). Collection method: clinical testing. Allele origin: germline.
Comment: In summary, the available evidence is currently insufficient to determine the role of this variant in disease. Therefore, it has been classified as a Variant of Uncertain Significance. Algorithms developed to predict the effect of missense changes on protein structure and function are either unavailable or do not agree on the potential impact of this missense change (SIFT: "Tolerated"; PolyPhen-2: "Probably Damaging"; Align-GVGD: "Class C0"). ClinVar contains an entry for this variant (Variation ID: 1063235). This variant has not been reported in the literature in individuals affected with ATM-related conditions. This variant is not present in population databases (gnomAD no frequency). This sequence change replaces aspartic acid, which is acidic and polar, with glycine, which is neutral and non-polar, at codon 2448 of the ATM protein (p.Asp2448Gly).

NM_000051.4(ATM):c.7343A>G (p.Asp2448Gly)

Genes: ATM (ATM serine/threonine kinase; plus strand), C11orf65 (chromosome 11 open reading frame 65; minus strand). Cytogenetic location: 11q22.3.
Variant type: single nucleotide variant.
Coding change: c.7343A>G on transcript NM_000051.4 (MANE Select); coding-DNA position 7343, A replaced by G.
Protein change: p.Asp2448Gly; replaces aspartic acid 2448 with glycine.
Molecular consequence: missense variant. On other transcripts: intron variant (2).
Genome position (GRCh38, 1-based): chr11:108,330,249, A>G. VCF-style: chr11-108330249-A-G. GRCh37 (hg19) VCF-style: chr11-108200976-A-G.
Other names: c.7343A>G, p.Asp2448Gly (NM_001351834.2); c.641-21178T>C (NM_001330368.2); c.*38+4971T>C (NM_001351110.2); short protein forms D2448G.
Identifiers: ClinVar variation 1063235 (VCV001063235.9), dbSNP rs1275267580, ClinGen allele CA382559927.